The following is an entry in ClinVar:

NM_015629.4(PRPF31):c.70G>A (p.Gly24Arg)

Gene: PRPF31 (pre-mRNA processing factor 31; plus strand). Cytogenetic location: 19q13.42.
Variant type: single nucleotide variant.
Coding change: c.70G>A on transcript NM_015629.4 (MANE Select); coding-DNA position 70, G replaced by A.
Protein change: p.Gly24Arg; replaces glycine 24 with arginine.
Molecular consequence: missense variant.
Genome position (GRCh38, 1-based): chr19:54,118,348, G>A. VCF-style: chr19-54118348-G-A. GRCh37 (hg19) VCF-style: chr19-54621728-G-A.
Other names: short protein forms G24R.
Identifiers: ClinVar variation 3723411 (VCV003723411.2).
Genomic context (GRCh38, chr19:54,118,348, plus strand): 5'-GCAGATGAGCTCTTAGCTGATCTCGAAGAGGCAGCAGAAGAGGAGGAAGGAGGAAGCTAT[G>A]GGGAGGAAGAAGAGGAGCCAGCGATCGAGGATGTGCAGGAGGAGACACAGCTGGATCTTT-3'
Protein context (NP_056444.3, residues 14-34): AAEEEEGGSY[Gly24Arg]EEEEEPAIED

ClinVar aggregate classification (germline): Uncertain significance (1 of 4 stars; one submission).

Submission:

Labcorp Genetics (formerly Invitae), Labcorp
Classification: Uncertain significance. Last evaluated: 2024-10-21. Review status: criteria provided, single submitter. Criteria: Invitae Variant Classification Sherloc (09022015). Collection method: clinical testing. Allele origin: germline.
Comment: This sequence change replaces glycine, which is neutral and non-polar, with arginine, which is basic and polar, at codon 24 of the PRPF31 protein (p.Gly24Arg). This variant is not present in population databases (gnomAD no frequency). This variant has not been reported in the literature in individuals affected with PRPF31-related conditions. Experimental studies and prediction algorithms are not available or were not evaluated, and the functional significance of this variant is currently unknown. In summary, the available evidence is currently insufficient to determine the role of this variant in disease. Therefore, it has been classified as a Variant of Uncertain Significance.